The following is an entry in ClinVar:

NM_183381.3(RNF13):c.894T>C (p.Ser298=)

Gene: RNF13 (ring finger protein 13; plus strand). Cytogenetic location: 3q25.1.
Variant type: single nucleotide variant.
Coding change: c.894T>C on transcript NM_183381.3 (MANE Select); coding-DNA position 894, T replaced by C.
Protein change: p.Ser298=; no amino-acid change (serine 298 retained).
Molecular consequence: synonymous variant. On other transcripts: non-coding transcript variant (1).
Genome position (GRCh38, 1-based): chr3:149,960,852, T>C. VCF-style: chr3-149960852-T-C. GRCh37 (hg19) VCF-style: chr3-149678639-T-C.
Other names: c.894T>C, p.Ser298= (NM_001378285.1, NM_001378286.1, NM_007282.4); c.537T>C, p.Ser179= (NM_001378287.1, NM_001378288.1, NM_001378289.1 and 2 more transcripts); c.501T>C, p.Ser167= (NM_001378291.1).
Identifiers: ClinVar variation 4875355 (VCV004875355.2).

ClinVar aggregate classification (germline): Likely benign (1 of 4 stars; one submission).

Submission:

CeGaT Center for Human Genetics Tuebingen
Classification: Likely benign. Last evaluated: 2026-06-01. Review status: criteria provided, single submitter. Criteria: CeGaT Center For Human Genetics Tuebingen Variant Classification Criteria Version 2. Collection method: clinical testing. Allele origin: germline. Affected: yes. Observed: 1 variant allele.
Comment: RNF13: PM2:Supporting, BP4, BP7